The following is an entry in ClinVar:

ClinVar aggregate classification (germline): Pathogenic (3 of 4 stars; one submission).

Conditions:
Juvenile retinoschisis (RS1). Also called: X-Linked Juvenile Retinoschisis; X-linked retinoschisis. Identifiers: Orphanet 792, MedGen C3714753, MONDO:0010725, OMIM 312700.

Submission:

ClinGen X-linked Inherited Retinal Disease Variant Curation Expert Panel, ClinGen
Classification: Pathogenic for Juvenile retinoschisis. Last evaluated: 2026-09-26. Review status: reviewed by expert panel. Criteria: ClinGen X LinkedIRD ACMG Specifications RS1 V1.0.0. Collection method: curation. Allele origin: germline. Inheritance: X-linked inheritance.
Comment: The NM_000330.4(RS1):c.598C>A (p.Arg200Ser) variant is a missense variant encoding the substitution of Arginine and Serine at amino acid 200. This variant is absent from hemizygous individuals in gnomAD v4.1.0 (PM2_Supporting). The computational predictor REVEL gives a score of 0.925, which is within the ClinGen X-linked IRD VCEP range between 0.931 and 0.773 and predicts a damaging effect on RS1 function (PP3_moderate). The computational splicing predictor SpliceAI gives a delta score of 0.00 for all predictive splice changes, which is below the ClinGen X-linked IRD VCEP threshold of >0.2 and does not predict that the variant disrupts RS1 splicing. This variant p.Arg200, of the RS1 gene is a missense substitution affecting an established residue involved in cross-linking the adjacent RS1 subunit defined by the ClinGen X-linked IRD VCEP (PMID: 27114531, PM1). Another missense variant in the same codon, NM_000330.4(RS1):c.599G>A (p.Arg200His), (PMIDs: 30652005, 32300273, 30551202, 22245991, 21701876, 28147405, 10533068, 27114531) has been classified as pathogenic for X-linked retinoschisis by the ClinGen X-linked IRD VCEP, while no benign missense variants have been identified in this codon. The present variant has a higher Grantham’s distance (110) than the comparison variant (29), and SpliceAI has been used to confirm that neither variant has a predicted impact on RS1 splicing (PM5). At least one proband harboring this variant exhibits the following phenotypes, including the appearance of schisis and reduced visual acuity before age 13 years, which together are specific for X-linked retinoschisis (PMID: 19324861, PP4). The variant has been reported to segregate with retinal dystrophy through two brothers. (PP1; PMID: 19324861). This variant has been reported in at least 1 proband meeting one of the PS4 requirements of a male diagnosed with XLRS, as well as a second apparently unrelated proband previously used for the PP4 code (PMID: 36377647, 34822951, PS4_Supporting). In summary, this variant is classified as pathogenic for X-linked retinoschisis based on the ClinGen X-linked Inherited Retinal Disease Expert Panel Specifications to the ACMG/AMP Variant Interpretation Guidelines for RS1 Version 1.0.0: PM2_Supporting, PP3_Moderate, PM1, PM5, PP4, PP1, and PS4_Supporting.

NM_000330.4(RS1):c.598C>A (p.Arg200Ser)

Genes: CDKL5 (cyclin dependent kinase like 5; plus strand), RS1 (retinoschisin 1; minus strand). Cytogenetic location: Xp22.13.
Variant type: single nucleotide variant.
Coding change: c.598C>A on transcript NM_000330.4 (MANE Select); coding-DNA position 598, C replaced by A.
Protein change: p.Arg200Ser; replaces arginine 200 with serine.
Molecular consequence: missense variant. On other transcripts: intron variant (2).
Genome position (GRCh38, 1-based): chrX:18,642,081, G>T on the plus strand (C>A on the coding strand, the complement: RS1 is on the minus strand). VCF-style: chrX-18642081-G-T. GRCh37 (hg19) VCF-style: chrX-18660201-G-T.
Other names: NM_003159.3:c.2714-3926G>T; c.2714-3926G>T (NM_003159.3, NM_001037343.2); short protein forms R200S.
Identifiers: ClinVar variation 4976888 (VCV004976888.1).
Genomic context (GRCh38, chrX:18,642,081, plus strand): 5'-CGCACTCCAGCAGCTCCATCCGGATGGCAATGCGGACGTGCCAGCCCAGCGGGATGAGGC[G>T]GATGAAGCGGGAGATGATGGGGGGCCGCAGCAGGTTCTGAACCGTGGAGGTGCGGTCCGA-3'
Protein context (NP_000321.1, residues 190-210): LRPPIISRFI[Arg200Ser]LIPLGWHVRI